The following is an entry in ClinVar:

ClinVar aggregate classification (germline): Uncertain significance (1 of 4 stars; one submission).

gnomAD v4.1: 4 of 1,555,882 alleles (0.00026%); highest among the groups gnomAD compares: Non-Finnish European, 0.00035%; no homozygotes.

Submission:

GeneDx
Classification: Uncertain significance. Last evaluated: 2024-12-17. Review status: criteria provided, single submitter. Criteria: GeneDx Variant Classification Process June 2021. Collection method: clinical testing. Allele origin: germline. Affected: yes.
Comment: Not observed at significant frequency in large population cohorts (gnomAD); In silico analysis supports that this missense variant has a deleterious effect on protein structure/function; Has not been previously published as pathogenic or benign to our knowledge

NM_001130144.3(LTBP3):c.3209C>T (p.Pro1070Leu)

Genes: LTBP3 (latent transforming growth factor beta binding protein 3; minus strand), LOC121832793 (Sharpr-MPRA regulatory region 4001; plus strand). Cytogenetic location: 11q13.1.
Variant type: single nucleotide variant.
Coding change: c.3209C>T on transcript NM_001130144.3 (MANE Select); coding-DNA position 3209, C replaced by T.
Protein change: p.Pro1070Leu; replaces proline 1070 with leucine.
Molecular consequence: missense variant.
Genome position (GRCh38, 1-based): chr11:65,540,280, G>A on the plus strand (C>T on the coding strand, the complement: LTBP3 is on the minus strand). VCF-style: chr11-65540280-G-A. GRCh37 (hg19) VCF-style: chr11-65307751-G-A.
Other names: c.2858C>T, p.Pro953Leu (NM_001164266.1); c.3209C>T, p.Pro1070Leu (NM_021070.4); short protein forms P1070L, P953L.
Identifiers: ClinVar variation 3906794 (VCV003906794.1).
Genomic context (GRCh38, chr11:65,540,280, plus strand): 5'-CCCCACTCCCCGGCCCGGGCCTCACCCATCTCTTCCGGGCTCAGGCACTGGCGCTGCGCG[G>A]GACTGTACTCGGCAGGGGGCGTGCAGGCACAGCGGTAGCCGCCGCGCGTGTTCTCACACA-3'
Protein context (NP_001123616.1, residues 1060-1080): CACTPPAEYS[Pro1070Leu]AQRQCLSPEE